The following is an entry in ClinVar:

ClinVar aggregate classification (germline): Uncertain significance. Review status: criteria provided, multiple submitters, no conflicts (2 of 4 stars). 2 submissions from 2 submitters: Uncertain significance (2). Last evaluated 2024-05-28.

Conditions:
Hereditary cancer-predisposing syndrome. Also called: Hereditary Cancer Syndrome; Neoplastic Syndromes, Hereditary; Tumor predisposition; Hereditary neoplastic syndrome. Identifiers: Orphanet 140162, MedGen C0027672, MeSH D009386, MONDO:0015356.
Rhabdoid tumor predisposition syndrome 2 (RTPS2). Identifiers: Orphanet 231108, Orphanet 69077, MedGen C2750074, MONDO:0013224, OMIM 613325.

Submissions (2):

Ambry Genetics
Classification: Uncertain significance for Hereditary cancer-predisposing syndrome. Last evaluated: 2024-05-28. Review status: criteria provided, single submitter. Criteria: Ambry Variant Classification Scheme 2023. Collection method: clinical testing. Allele origin: germline.
Comment: The c.4266+3G>T intronic variant results from a G to T substitution 3 nucleotides after coding exon 29 in the SMARCA4 gene. This nucleotide position is highly conserved in available vertebrate species. In silico splice site analysis predicts that this alteration will not have any significant effect on splicing. Based on the available evidence, the clinical significance of this variant remains unclear.

Labcorp Genetics (formerly Invitae), Labcorp
Classification: Uncertain significance for Rhabdoid tumor predisposition syndrome 2. Last evaluated: 2020-04-17. Review status: criteria provided, single submitter. Criteria: Invitae Variant Classification Sherloc (09022015). Collection method: clinical testing. Allele origin: germline.
Comment: In summary, the available evidence is currently insufficient to determine the role of this variant in disease. Therefore, it has been classified as a Variant of Uncertain Significance. Nucleotide substitutions within the consensus splice site are a relatively common cause of aberrant splicing (PMID: 17576681, 9536098). Algorithms developed to predict the effect of sequence changes on RNA splicing suggest that this variant may disrupt the consensus splice site, but this prediction has not been confirmed by published transcriptional studies. This variant has not been reported in the literature in individuals with SMARCA4-related conditions. This variant is not present in population databases (ExAC no frequency). This sequence change falls in intron 30 of the SMARCA4 gene. It does not directly change the encoded amino acid sequence of the SMARCA4 protein, but it affects a nucleotide within the consensus splice site of the intron.

Literature cited by the submitters: PubMed 17576681 (cited by Labcorp Genetics (formerly Invitae), Labcorp); PubMed 9536098 (cited by Labcorp Genetics (formerly Invitae), Labcorp).

NM_003072.5(SMARCA4):c.4171-1751G>T

Gene: SMARCA4 (SWI/SNF related BAF chromatin remodeling complex subunit ATPase 4; plus strand). Cytogenetic location: 19p13.2.
Variant type: single nucleotide variant.
Coding change: c.4171-1751G>T on transcript NM_003072.5 (MANE Select); 1751 bases into the intron before coding-DNA position 4171, G replaced by T.
Molecular consequence: intron variant.
Genome position (GRCh38, 1-based): chr19:11,039,556, G>T. VCF-style: chr19-11039556-G-T. GRCh37 (hg19) VCF-style: chr19-11150232-G-T.
Other names: c.4171-1751G>T (NM_001128844.3); c.4266+3G>T (NM_001128849.3, NM_001128849.1); c.4072-1751G>T (NM_001128847.4, NM_001374457.1, NM_001128848.2); c.4072-1742G>T (NM_001128845.2, NM_001128846.2).
Identifiers: ClinVar variation 1023796 (VCV001023796.7), dbSNP rs1555787264, ClinGen allele CA2322734052.